The following is an entry in ClinVar:

ClinVar aggregate classification (germline): Likely benign (0 of 4 stars; one submission).

Conditions:
LONP1-related disorder. Also called: LONP1-related disorders; LONP1-related condition.

Allele frequency attached by ClinVar (database versions not stated): gnomAD exomes below 0.00001; ExAC 0.00001.
gnomAD v4.1: 2 of 1,609,268 alleles (0.00012%); highest among the groups gnomAD compares: Admixed American, 0.0017%; no homozygotes.

Submission:

PreventionGenetics, part of Exact Sciences
Classification: Likely benign for LONP1-related condition. Last evaluated: 2019-04-08. Review status: no assertion criteria provided. Collection method: clinical testing. Allele origin: germline.
Comment: This variant is classified as likely benign based on ACMG/AMP sequence variant interpretation guidelines (Richards et al. 2015 PMID: 25741868, with internal and published modifications).

NM_004793.4(LONP1):c.1146+6C>T

Gene: LONP1 (lon peptidase 1, mitochondrial; minus strand). Cytogenetic location: 19p13.3.
Variant type: single nucleotide variant.
Coding change: c.1146+6C>T on transcript NM_004793.4 (MANE Select); 6 bases into the intron after coding-DNA position 1146, C replaced by T.
Molecular consequence: intron variant.
Genome position (GRCh38, 1-based): chr19:5,707,054, G>A on the plus strand (C>T on the coding strand, the complement: LONP1 is on the minus strand). VCF-style: chr19-5707054-G-A. GRCh37 (hg19) VCF-style: chr19-5707065-G-A.
Other names: c.558+6C>T (NM_001276480.1); c.954+6C>T (NM_001276479.2).
Identifiers: ClinVar variation 3047571 (VCV003047571.2), dbSNP rs776092588, ClinGen allele CA9114813.
Genomic context (GRCh38, chr19:5,707,054, plus strand): 5'-TGACTGATGTCACGTGGCCCGAGGGGAAGGCCCCCAAGAGTGGCTGCGCCTCAGCCGCGG[G>A]CTCACCTCCCGCCCCAGGCGCTGCTGCAGCTTGCTCAGTTCAAATTCCTTCTTCAGCAGG-3'